The following is an entry in ClinVar:

NM_000455.5(STK11):c.367C>T (p.Gln123Ter)

Gene: STK11 (serine/threonine kinase 11; plus strand). Cytogenetic location: 19p13.3.
Variant type: single nucleotide variant.
Coding change: c.367C>T on transcript NM_000455.5 (MANE Select); coding-DNA position 367, C replaced by T.
Protein change: p.Gln123Ter; replaces glutamine 123 with a stop codon.
Molecular consequence: nonsense.
Genome position (GRCh38, 1-based): chr19:1,218,493, C>T. VCF-style: chr19-1218493-C-T. GRCh37 (hg19) VCF-style: chr19-1218492-C-T.
Other names: short protein forms Q123*.
Identifiers: ClinVar variation 428761 (VCV000428761.12), dbSNP rs1131690925, ClinGen allele CA402947913.

ClinVar aggregate classification (germline): Pathogenic. Review status: criteria provided, multiple submitters, no conflicts (2 of 4 stars). 3 submissions from 3 submitters: Pathogenic (3). Last evaluated 2024-04-22.

Conditions:
Peutz-Jeghers syndrome (PJS). Also called: Peutz-Jeghers polyposis; Periorificial lentiginosis syndrome; POLYPOSIS, HAMARTOMATOUS INTESTINAL; POLYPS-AND-SPOTS SYNDROME. Identifiers: Orphanet 2869, MedGen C0031269, MeSH D010580, MONDO:0008280, OMIM 175200.
Hereditary cancer-predisposing syndrome. Also called: Hereditary neoplastic syndrome; Tumor predisposition; Neoplastic Syndromes, Hereditary; Hereditary Cancer Syndrome. Identifiers: Orphanet 140162, MedGen C0027672, MeSH D009386, MONDO:0015356.

Submissions (3):

Labcorp Genetics (formerly Invitae), Labcorp
Classification: Pathogenic for Peutz-Jeghers syndrome. Last evaluated: 2024-04-22. Review status: criteria provided, single submitter. Criteria: Invitae Variant Classification Sherloc (09022015). Collection method: clinical testing. Allele origin: germline.
Comment: This sequence change creates a premature translational stop signal (p.Gln123*) in the STK11 gene. It is expected to result in an absent or disrupted protein product. Loss-of-function variants in STK11 are known to be pathogenic (PMID: 15188174, 16287113). This variant is not present in population databases (gnomAD no frequency). This premature translational stop signal has been observed in individual(s) with Peutz-Jeghers syndrome (PMID: 14623934, 17924967, 22543132). ClinVar contains an entry for this variant (Variation ID: 428761). For these reasons, this variant has been classified as Pathogenic.

Myriad Genetics, Inc.
Classification: Pathogenic for Peutz-Jeghers syndrome. Last evaluated: 2024-02-12. Review status: criteria provided, single submitter. Criteria: Myriad Autosomal Dominant, Autosomal Recessive and X-Linked Classification Criteria (2023). Collection method: clinical testing. Allele origin: unknown.
Comment: This variant is considered pathogenic. This variant creates a termination codon and is predicted to result in premature protein truncation.

Ambry Genetics
Classification: Pathogenic for Hereditary cancer-predisposing syndrome. Last evaluated: 2012-11-30. Review status: criteria provided, single submitter. Criteria: Ambry Autosomal Dominant and X-Linked criteria (10/2015). Collection method: clinical testing. Allele origin: germline. Observed: 1 variant allele.
Comment: This alteration is expected to result in loss of function by premature protein truncation or nonsense-mediatedâ€¯mRNAâ€¯decay.â€¯As such, this alteration is interpreted as a disease-causing mutation.

Literature cited by the submitters: PubMed 15188174 (cited by Labcorp Genetics (formerly Invitae), Labcorp); PubMed 16287113 (cited by Labcorp Genetics (formerly Invitae), Labcorp); PubMed 14623934 (cited by Labcorp Genetics (formerly Invitae), Labcorp); PubMed 17924967 (cited by Labcorp Genetics (formerly Invitae), Labcorp); PubMed 22543132 (cited by Labcorp Genetics (formerly Invitae), Labcorp).